The following is an entry in ClinVar:

ClinVar aggregate classification (germline): Pathogenic (1 of 4 stars; one submission).

Conditions:
Periodontitis, aggressive. Identifiers: MedGen C0031106, MONDO:0980757.
Papillon-Lefèvre syndrome (PALS). Also called: KERATOSIS PALMOPLANTARIS WITH PERIODONTOPATHIA; Papillon-Lefevre Disease. Identifiers: Orphanet 678, MedGen C0030360, MONDO:0009490, OMIM 245000.
Haim-Munk syndrome (HMS). Also called: COCHIN JEWISH DISORDER; KERATOSIS PALMOPLANTARIS WITH PERIODONTOPATHIA AND ONYCHOGRYPOSIS. Identifiers: Orphanet 2342, MedGen C1855627, MONDO:0009491, OMIM 245010.

Submission:

Labcorp Genetics (formerly Invitae), Labcorp
Classification: Pathogenic for Haim-Munk syndrome; Periodontitis, aggressive; Papillon-Lefèvre syndrome. Last evaluated: 2024-02-29. Review status: criteria provided, single submitter. Criteria: Invitae Variant Classification Sherloc (09022015). Collection method: clinical testing. Allele origin: germline.
Comment: This sequence change creates a premature translational stop signal (p.Val64Serfs*13) in the CTSC gene. It is expected to result in an absent or disrupted protein product. Loss-of-function variants in CTSC are known to be pathogenic (PMID: 10662808, 11106356, 11886537). The frequency data for this variant in the population databases is considered unreliable, as metrics indicate poor data quality at this position in the gnomAD database. This variant has not been reported in the literature in individuals affected with CTSC-related conditions. ClinVar contains an entry for this variant (Variation ID: 2160925). For these reasons, this variant has been classified as Pathogenic.

Literature cited by the submitters: PubMed 10662808; PubMed 11106356; PubMed 11886537.

NM_001814.6(CTSC):c.189dup (p.Val64fs)

Gene: CTSC (cathepsin C; minus strand). Cytogenetic location: 11q14.2.
Variant type: Duplication.
Coding change: c.189dup on transcript NM_001814.6 (MANE Select); coding-DNA position 189, one base duplicated (A; older notation c.189dupA).
Protein change: p.Val64fs; shifts the reading frame from valine 64.
Molecular consequence: frameshift variant.
Genome position (GRCh38, 1-based): chr11:88,335,066, T duplicated on the plus strand (A on the coding strand, the reverse complement: CTSC is on the minus strand); the first of 8 consecutive T bases (chr11:88,335,066-88,335,073); duplicating any one gives the same sequence. VCF-style (leftmost placement, unchanged base first): chr11-88335065-C-CT. GRCh37 (hg19) VCF-style: chr11-88068233-C-CT.
Other names: c.189dup, p.Val64fs (NM_001114173.3, NM_148170.5); short protein forms V64fs.
Identifiers: ClinVar variation 2160925 (VCV002160925.4), dbSNP rs766504984, ClinGen allele CA6220102.